The following is an entry in ClinVar:

ClinVar aggregate classification (germline): Uncertain significance (1 of 4 stars; one submission).

Conditions:
Hereditary cancer-predisposing syndrome. Also called: Neoplastic Syndromes, Hereditary; Tumor predisposition; Hereditary neoplastic syndrome; Hereditary Cancer Syndrome. Identifiers: Orphanet 140162, MedGen C0027672, MeSH D009386, MONDO:0015356.

Submission:

Ambry Genetics
Classification: Uncertain significance for Hereditary cancer-predisposing syndrome. Last evaluated: 2026-06-20. Review status: criteria provided, single submitter. Criteria: Ambry Variant Classification Scheme 2023. Collection method: clinical testing. Allele origin: germline.
Comment: The p.E386D variant (also known as c.1158A>T), located in coding exon 12 of the NF2 gene, results from an A to T substitution at nucleotide position 1158. The glutamic acid at codon 386 is replaced by aspartic acid, an amino acid with highly similar properties. This amino acid position is conserved. In addition, the in silico prediction for this alteration is inconclusive. Based on the available evidence, the clinical significance of this variant remains unclear.

NM_000268.4(NF2):c.1158A>T (p.Glu386Asp)

Gene: NF2 (NF2, moesin-ezrin-radixin like (MERLIN) tumor suppressor; plus strand). Cytogenetic location: 22q12.2.
Variant type: single nucleotide variant.
Coding change: c.1158A>T on transcript NM_000268.4 (MANE Select); coding-DNA position 1158, A replaced by T.
Protein change: p.Glu386Asp; replaces glutamic acid 386 with aspartic acid.
Molecular consequence: missense variant. On other transcripts: intron variant (1).
Genome position (GRCh38, 1-based): chr22:29,673,304, A>T. VCF-style: chr22-29673304-A-T. GRCh37 (hg19) VCF-style: chr22-30069293-A-T.
Other names: c.1158A>T, p.Glu386Asp (NM_001407066.1, NM_016418.5, NM_181825.3 and 2 more transcripts); c.927A>T, p.Glu309Asp (NM_001407067.1); c.1032A>T, p.Glu344Asp (NM_181828.3, NM_001407055.1); c.1035A>T, p.Glu345Asp (NM_181829.3, NM_001407054.1, NM_001407058.1); c.909A>T, p.Glu303Asp (NM_181830.3, NM_181831.3, NM_001407063.1 and 1 more transcripts); c.448-21448A>T (NM_181833.3); c.1044A>T, p.Glu348Asp (NM_001407053.1, NM_001407056.1); c.1023A>T, p.Glu341Asp (NM_001407057.1, NM_001407059.1); and 2 more; short protein forms E300D, E309D, E303D, E341D, E348D, E386D, E208D, E344D.
Identifiers: ClinVar variation 5025681 (VCV005025681.1).
Genomic context (GRCh38, chr22:29,673,304, plus strand): 5'-CAGCTAAGAGCACTGTGCCCTCCAGATGCGGTCTGAGGAGACAGCTGACCTGTTGGCTGA[A>T]AAGGCCCAGATCACCGAGGAGGAGGCAAAACTTCTGGCCCAGAAGGCCGCAGAGGCTGAG-3'
Protein context (NP_000259.1, residues 376-396): RSEETADLLA[Glu386Asp]KAQITEEEAK